The following is an entry in ClinVar:

ClinVar aggregate classification (germline): Pathogenic (1 of 4 stars; one submission).

Conditions:
Neurofibromatosis, type 1 (NF1). Also called: NEUROFIBROMATOSIS, TYPE I, SOMATIC; Peripheral type neurofibromatosis; Neurofibromatosis, type I; VON RECKLINGHAUSEN DISEASE. Identifiers: Orphanet 636, MedGen C0027831, MONDO:0018975, OMIM 162200. Disease mechanism: loss of function.

Submission:

Labcorp Genetics (formerly Invitae), Labcorp
Classification: Pathogenic for Neurofibromatosis, type 1. Last evaluated: 2021-07-25. Review status: criteria provided, single submitter. Criteria: Invitae Variant Classification Sherloc (09022015). Collection method: clinical testing. Allele origin: germline.
Comment: For these reasons, this variant has been classified as Pathogenic. Algorithms developed to predict the effect of sequence changes on RNA splicing suggest that this variant may create or strengthen a splice site. This premature translational stop signal has been observed in individual(s) with neurofibromatosis (PMID: 8118468). This variant is not present in population databases (ExAC no frequency). This sequence change creates a premature translational stop signal (p.Glu2174Argfs*47) in the NF1 gene. It is expected to result in an absent or disrupted protein product. Loss-of-function variants in NF1 are known to be pathogenic (PMID: 10712197, 23913538).

Literature cited by the submitters: PubMed 8118468; PubMed 10712197; PubMed 23913538.

NM_001042492.3(NF1):c.6581dup (p.Glu2195fs)

Gene: NF1 (neurofibromin 1; plus strand). Cytogenetic location: 17q11.2.
Variant type: Duplication.
Coding change: c.6581dup on transcript NM_001042492.3 (MANE Select); coding-DNA position 6581, one base duplicated (G; older notation c.6581dupG).
Protein change: p.Glu2195fs; shifts the reading frame from glutamic acid 2195.
Molecular consequence: frameshift variant.
Genome position (GRCh38, 1-based): chr17:31,337,521, G duplicated. VCF-style (leftmost placement, unchanged base first): chr17-31337520-A-AG. GRCh37 (hg19) VCF-style: chr17-29664538-A-AG.
Other names: c.6518dup, p.Glu2174Argfs (NM_000267.4); short protein forms E2174fs, E2195fs.
Identifiers: ClinVar variation 1407739 (VCV001407739.6), dbSNP rs2151556452, ClinGen allele CA2573153843.